The following is an entry in ClinVar:

NM_018060.4(IARS2):c.2804T>C (p.Met935Thr)

Gene: IARS2 (isoleucyl-tRNA synthetase 2, mitochondrial; plus strand). Cytogenetic location: 1q41.
Variant type: single nucleotide variant.
Coding change: c.2804T>C on transcript NM_018060.4 (MANE Select); coding-DNA position 2804, T replaced by C.
Protein change: p.Met935Thr; replaces methionine 935 with threonine.
Molecular consequence: missense variant.
Genome position (GRCh38, 1-based): chr1:220,145,561, T>C. VCF-style: chr1-220145561-T-C. GRCh37 (hg19) VCF-style: chr1-220318903-T-C.
Other names: short protein forms M935T.
Identifiers: ClinVar variation 985265 (VCV000985265.4), dbSNP rs777760234, ClinGen allele CA1401863.

ClinVar aggregate classification (germline): Uncertain significance. Review status: criteria provided, multiple submitters, no conflicts (2 of 4 stars). 2 submissions from 2 submitters: Uncertain significance (2). Last evaluated 2022-06-28.

Conditions:
Inborn genetic diseases. Identifiers: MedGen C0950123, MeSH D030342.

Allele frequency attached by ClinVar (database versions not stated): ExAC 0.00001; gnomAD exomes 0.00001 and 0.00002; gnomAD 0.00004; TOPMed 0.00009.
gnomAD v4.1: 19 of 1,613,756 alleles (0.0012%); highest among the groups gnomAD compares: Admixed American, 0.023%; no homozygotes.

Submissions (2):

Labcorp Genetics (formerly Invitae), Labcorp
Classification: Uncertain significance. Last evaluated: 2022-06-28. Review status: criteria provided, single submitter. Criteria: Invitae Variant Classification Sherloc (09022015). Collection method: clinical testing. Allele origin: germline.
Comment: This sequence change replaces methionine, which is neutral and non-polar, with threonine, which is neutral and polar, at codon 935 of the IARS2 protein (p.Met935Thr). This variant is present in population databases (rs777760234, gnomAD 0.01%). This variant has not been reported in the literature in individuals affected with IARS2-related conditions. ClinVar contains an entry for this variant (Variation ID: 985265). Algorithms developed to predict the effect of missense changes on protein structure and function are either unavailable or do not agree on the potential impact of this missense change (SIFT: "Deleterious"; PolyPhen-2: "Benign"; Align-GVGD: "Class C0"). In summary, the available evidence is currently insufficient to determine the role of this variant in disease. Therefore, it has been classified as a Variant of Uncertain Significance.

Ambry Genetics
Classification: Uncertain significance for Inborn genetic diseases. Last evaluated: 2021-03-30. Review status: criteria provided, single submitter. Criteria: Ambry Variant Classification Scheme 2023. Collection method: clinical testing. Allele origin: germline.
Comment: The c.2804T>C (p.M935T) alteration is located in exon 22 (coding exon 22) of the IARS2 gene. This alteration results from a T to C substitution at nucleotide position 2804, causing the methionine (M) at amino acid position 935 to be replaced by a threonine (T). The in silico prediction for the p.M935T alteration is inconclusive. Based on insufficient or conflicting evidence, the clinical significance of this alteration remains unclear.

Literature cited by the submitters: PubMed 29410512 (cited by Ambry Genetics).